The following is an entry in ClinVar:

NM_001903.5(CTNNA1):c.1516A>C (p.Thr506Pro)

Gene: CTNNA1 (catenin alpha 1; plus strand). Cytogenetic location: 5q31.2.
Variant type: single nucleotide variant.
Coding change: c.1516A>C on transcript NM_001903.5 (MANE Select); coding-DNA position 1516, A replaced by C.
Protein change: p.Thr506Pro; replaces threonine 506 with proline.
Molecular consequence: missense variant.
Genome position (GRCh38, 1-based): chr5:138,917,868, A>C. VCF-style: chr5-138917868-A-C. GRCh37 (hg19) VCF-style: chr5-138253557-A-C.
Other names: c.1516A>C, p.Thr506Pro (NM_001290307.3, NM_001323982.2, NM_001323983.1 and 2 more transcripts); c.1207A>C, p.Thr403Pro (NM_001290309.3); c.1147A>C, p.Thr383Pro (NM_001290310.3); c.406A>C, p.Thr136Pro (NM_001290312.1, NM_001323987.1, NM_001323988.1 and 17 more transcripts); c.1423A>C, p.Thr475Pro (NM_001323986.2); c.67A>C, p.Thr23Pro (NM_001324006.1, NM_001324007.1, NM_001324008.1 and 2 more transcripts); c.313A>C, p.Thr105Pro (NM_001324011.1); c.163A>C, p.Thr55Pro (NM_001324012.1, NM_001324013.1); and 1 more; short protein forms T475P, T105P, T23P, T506P, T383P, T403P, T136P, T55P.
Identifiers: ClinVar variation 2910724 (VCV002910724.4), dbSNP rs775958172, ClinGen allele CA361137362.

ClinVar aggregate classification (germline): Uncertain significance. Review status: criteria provided, multiple submitters, no conflicts (2 of 4 stars). 2 submissions from 2 submitters: Uncertain significance (2). Last evaluated 2024-11-16.

Conditions:
Hereditary cancer-predisposing syndrome. Also called: Hereditary Cancer Syndrome; Tumor predisposition; Hereditary neoplastic syndrome; Neoplastic Syndromes, Hereditary. Identifiers: Orphanet 140162, MedGen C0027672, MeSH D009386, MONDO:0015356.

Submissions (2):

Ambry Genetics
Classification: Uncertain significance for Hereditary cancer-predisposing syndrome. Last evaluated: 2024-11-16. Review status: criteria provided, single submitter. Criteria: Ambry Variant Classification Scheme 2023. Collection method: clinical testing. Allele origin: germline.
Comment: The p.T506P variant (also known as c.1516A>C), located in coding exon 10 of the CTNNA1 gene, results from an A to C substitution at nucleotide position 1516. The threonine at codon 506 is replaced by proline, an amino acid with highly similar properties. This amino acid position is conserved. In addition, this alteration is predicted to be deleterious by in silico analysis. Based on the available evidence, the clinical significance of this variant remains unclear.

Labcorp Genetics (formerly Invitae), Labcorp
Classification: Uncertain significance. Last evaluated: 2024-02-04. Review status: criteria provided, single submitter. Criteria: Invitae Variant Classification Sherloc (09022015). Collection method: clinical testing. Allele origin: germline.
Comment: This sequence change replaces threonine, which is neutral and polar, with proline, which is neutral and non-polar, at codon 506 of the CTNNA1 protein (p.Thr506Pro). This variant is not present in population databases (gnomAD no frequency). This variant has not been reported in the literature in individuals affected with CTNNA1-related conditions. Advanced modeling of protein sequence and biophysical properties (such as structural, functional, and spatial information, amino acid conservation, physicochemical variation, residue mobility, and thermodynamic stability) performed at Invitae indicates that this missense variant is expected to disrupt CTNNA1 protein function with a positive predictive value of 80%. In summary, the available evidence is currently insufficient to determine the role of this variant in disease. Therefore, it has been classified as a Variant of Uncertain Significance.